The following is an entry in ClinVar:

NM_004586.3(RPS6KA3):c.1806G>A (p.Trp602Ter)

Gene: RPS6KA3 (ribosomal protein S6 kinase A3; minus strand). Cytogenetic location: Xp22.12.
Variant type: single nucleotide variant.
Coding change: c.1806G>A on transcript NM_004586.3 (MANE Select); coding-DNA position 1806, G replaced by A.
Protein change: p.Trp602Ter; replaces tryptophan 602 with a stop codon.
Molecular consequence: nonsense.
Genome position (GRCh38, 1-based): chrX:20,162,999, C>T on the plus strand (G>A on the coding strand, the complement: RPS6KA3 is on the minus strand). VCF-style: chrX-20162999-C-T. GRCh37 (hg19) VCF-style: chrX-20181117-C-T.
Other names: c.1722G>A, p.Trp574Ter (NM_001438340.1); short protein forms W574*, W602*.
Identifiers: ClinVar variation 4823587 (VCV004823587.4).

ClinVar aggregate classification (germline): Pathogenic (1 of 4 stars; one submission).

Submission:

CeGaT Center for Human Genetics Tuebingen
Classification: Pathogenic. Last evaluated: 2026-03-01. Review status: criteria provided, single submitter. Criteria: CeGaT Center For Human Genetics Tuebingen Variant Classification Criteria Version 2. Collection method: clinical testing. Allele origin: germline. Affected: yes. Observed: 1 variant allele.
Comment: RPS6KA3: PVS1, PM2, PS2:Moderate